The following is an entry in ClinVar:

NM_000548.5(TSC2):c.4990-5G>T

Gene: TSC2 (TSC complex subunit 2; plus strand). Cytogenetic location: 16p13.3.
Variant type: single nucleotide variant.
Coding change: c.4990-5G>T on transcript NM_000548.5 (MANE Select); 5 bases into the intron before coding-DNA position 4990, G replaced by T.
Molecular consequence: intron variant.
Genome position (GRCh38, 1-based): chr16:2,087,858, G>T. VCF-style: chr16-2087858-G-T. GRCh37 (hg19) VCF-style: chr16-2137859-G-T.
Other names: c.4921-5G>T (NM_001114382.3); c.4861-5G>T (NM_021055.3, NM_001370405.1); c.4792-5G>T (NM_001363528.2); c.4858-5G>T (NM_001370404.1); c.4789-5G>T (NM_001077183.3); c.4681-5G>T (NM_001318827.2); c.4258-5G>T (NM_001318831.2); c.4645-5G>T (NM_001318829.2); and 1 more.
Identifiers: ClinVar variation 385488 (VCV000385488.41), dbSNP rs753000765, ClinGen allele CA16607316.

ClinVar aggregate classification (germline): Benign/Likely benign. Review status: criteria provided, multiple submitters, no conflicts (2 of 4 stars). 6 submissions from 6 submitters: Benign (1); Likely benign (5). Last evaluated 2025-09-22.

Conditions:
Hereditary cancer-predisposing syndrome. Also called: Neoplastic Syndromes, Hereditary; Hereditary neoplastic syndrome; Tumor predisposition; Hereditary Cancer Syndrome. Identifiers: Orphanet 140162, MedGen C0027672, MeSH D009386, MONDO:0015356.
Tuberous sclerosis 2 (TSC2). Identifiers: Orphanet 805, MedGen C1860707, MONDO:0013199, OMIM 613254.

gnomAD v4.1: 3 of 1,612,490 alleles (0.00019%); highest among the groups gnomAD compares: Admixed American, 0.0017%; no homozygotes.

Submissions (6):

Labcorp Genetics (formerly Invitae), Labcorp
Classification: Likely benign for Tuberous sclerosis 2. Last evaluated: 2025-09-22. Review status: criteria provided, single submitter. Criteria: Invitae Variant Classification Sherloc (09022015). Collection method: clinical testing. Allele origin: germline.

Myriad Genetics, Inc.
Classification: Likely benign for Tuberous sclerosis 2. Last evaluated: 2025-06-05. Review status: criteria provided, single submitter. Criteria: Myriad Autosomal Dominant, Autosomal Recessive and X-Linked Classification Criteria (2023). Collection method: clinical testing. Allele origin: unknown.
Comment: This variant is considered likely benign. This variant is intronic and is not expected to impact mRNA splicing.

Ambry Genetics
Classification: Likely benign for Hereditary cancer-predisposing syndrome. Last evaluated: 2023-12-06. Review status: criteria provided, single submitter. Criteria: Ambry Variant Classification Scheme 2023. Collection method: clinical testing. Allele origin: germline.

CeGaT Center for Human Genetics Tuebingen
Classification: Likely benign. Last evaluated: 2022-11-01. Review status: criteria provided, single submitter. Criteria: CeGaT Center For Human Genetics Tuebingen Variant Classification Criteria Version 2. Collection method: clinical testing. Allele origin: germline. Affected: yes. Observed: 1 variant allele.
Comment: TSC2: BP4

Genome-Nilou Lab
Classification: Benign for Tuberous sclerosis 2. Last evaluated: 2021-11-07. Review status: criteria provided, single submitter. Criteria: ACMG Guidelines, 2015. Collection method: clinical testing. Allele origin: germline. Affected: no.

GeneDx
Classification: Likely benign. Last evaluated: 2016-04-19. Review status: criteria provided, single submitter. Criteria: GeneDx Variant Classification (06012015). Collection method: clinical testing. Allele origin: germline. Affected: yes.
Comment: This variant is considered likely benign or benign based on one or more of the following criteria: it is a conservative change, it occurs at a poorly conserved position in the protein, it is predicted to be benign by multiple in silico algorithms, and/or has population frequency not consistent with disease.